The following is an entry in ClinVar:

ClinVar aggregate classification (germline): Benign/Likely benign. Review status: criteria provided, multiple submitters, no conflicts (2 of 4 stars). 3 submissions from 3 submitters: Benign (2); Likely benign (1). Last evaluated 2026-01-28.

Conditions:
Cortical dysplasia-focal epilepsy syndrome (PTHSL1). Also called: Pitt-Hopkins-like syndrome 1. Identifiers: Orphanet 163681, Orphanet 221150, MedGen C2750246, MONDO:0012400, OMIM 610042.

Allele frequency attached by ClinVar (database versions not stated): gnomAD exomes 0.00046; ExAC 0.00051; 1000 Genomes Project 30x 0.00109; 1000 Genomes Project 0.00120; gnomAD 0.00124; TOPMed 0.00142; ESP Exome Variant Server 0.00146.
gnomAD v4.1: 431 of 1,608,368 alleles (0.027%); highest among the groups gnomAD compares: African/African-American, 0.49%; 2 homozygotes.

Submissions (3):

Labcorp Genetics (formerly Invitae), Labcorp
Classification: Benign for Cortical dysplasia-focal epilepsy syndrome. Last evaluated: 2026-01-28. Review status: criteria provided, single submitter. Criteria: Invitae Variant Classification Sherloc (09022015). Collection method: clinical testing. Allele origin: germline.

Blueprint Genetics
Classification: Likely benign. Last evaluated: 2024-08-28. Review status: criteria provided, single submitter. Criteria: ACMG Guidelines, 2015. Collection method: clinical testing. Allele origin: germline.

GeneDx
Classification: Benign. Last evaluated: 2013-09-10. Review status: criteria provided, single submitter. Criteria: GeneDx Variant Classification (06012015). Collection method: clinical testing. Allele origin: germline. Affected: yes.
Comment: This variant is considered likely benign or benign based on one or more of the following criteria: it is a conservative change, it occurs at a poorly conserved position in the protein, it is predicted to be benign by multiple in silico algorithms, and/or has population frequency not consistent with disease.

NM_014141.6(CNTNAP2):c.3247+16C>T

Gene: CNTNAP2 (contactin associated protein 2; plus strand). Cytogenetic location: 7q36.1.
Variant type: single nucleotide variant.
Coding change: c.3247+16C>T on transcript NM_014141.6 (MANE Select); 16 bases into the intron after coding-DNA position 3247, C replaced by T.
Molecular consequence: intron variant.
Genome position (GRCh38, 1-based): chr7:148,217,540, C>T. VCF-style: chr7-148217540-C-T. GRCh37 (hg19) VCF-style: chr7-147914632-C-T.
Identifiers: ClinVar variation 136825 (VCV000136825.10), dbSNP rs370512570, ClinGen allele CA290184.